The following is an entry in ClinVar:

ClinVar aggregate classification (germline): Conflicting classifications of pathogenicity. Review status: criteria provided, conflicting classifications (1 of 4 stars). 2 submissions from 2 submitters: Uncertain significance (1); Likely benign (1). Last evaluated 2024-05-15.

Conditions:
Episodic ataxia type 2 (EA2). Also called: ACETAZOLAMIDE-RESPONSIVE HEREDITARY PAROXYSMAL CEREBELLAR ATAXIA; CEREBELLAR ATAXIA, PAROXYSMAL, ACETAZOLAMIDE-RESPONSIVE; CEREBELLOPATHY, HEREDITARY PAROXYSMAL; EPISODIC ATAXIA, NYSTAGMUS-ASSOCIATED; ATAXIA, EPISODIC, WITH NYSTAGMUS; ATAXIA, FAMILIAL PAROXYSMAL. Identifiers: Orphanet 97, MedGen C1720416, MONDO:0007163, OMIM 108500.
Developmental and epileptic encephalopathy, 42 (DEE42A). Also called: DEVELOPMENTAL AND EPILEPTIC ENCEPHALOPATHY 42A; EPILEPTIC ENCEPHALOPATHY, EARLY INFANTILE, 42A; Epileptic encephalopathy, early infantile, 42. Identifiers: MedGen C4310716, MONDO:0014917, OMIM 617106.

Allele frequency attached by ClinVar (database versions not stated): gnomAD 0.00003.
gnomAD v4.1: 4 of 1,535,528 alleles (0.00026%); highest among the groups gnomAD compares: Admixed American, 0.006%; no homozygotes.

Submissions (2):

Labcorp Genetics (formerly Invitae), Labcorp
Classification: Likely benign for Developmental and epileptic encephalopathy, 42; Episodic ataxia type 2. Last evaluated: 2024-05-15. Review status: criteria provided, single submitter. Criteria: Invitae Variant Classification Sherloc (09022015). Collection method: clinical testing. Allele origin: germline.

GeneDx
Classification: Uncertain significance. Last evaluated: 2022-10-28. Review status: criteria provided, single submitter. Criteria: GeneDx Variant Classification Process June 2021. Collection method: clinical testing. Allele origin: germline. Affected: yes.
Comment: In silico analysis supports that this missense variant has a deleterious effect on protein structure/function; Has not been previously published as pathogenic or benign to our knowledge

NM_001127222.2(CACNA1A):c.3017G>C (p.Arg1006Pro)

Gene: CACNA1A (calcium voltage-gated channel subunit alpha1 A; minus strand). Cytogenetic location: 19p13.13.
Variant type: single nucleotide variant.
Coding change: c.3017G>C on transcript NM_001127222.2 (MANE Select); coding-DNA position 3017, G replaced by C.
Protein change: p.Arg1006Pro; replaces arginine 1006 with proline.
Molecular consequence: missense variant.
Genome position (GRCh38, 1-based): chr19:13,298,616, C>G on the plus strand (G>C on the coding strand, the complement: CACNA1A is on the minus strand). VCF-style: chr19-13298616-C-G. GRCh37 (hg19) VCF-style: chr19-13409430-C-G.
Other names: c.3029G>C, p.Arg1010Pro (NM_000068.4, NM_023035.3); c.3020G>C, p.Arg1007Pro (NM_001127221.2, NM_001174080.2); short protein forms R1007P, R1006P, R1010P.
Identifiers: ClinVar variation 568218 (VCV000568218.11), dbSNP rs1268938831, ClinGen allele CA404342242.
Genomic context (GRCh38, chr19:13,298,616, plus strand): 5'-TGCCTCCGCTCCTTGTCCTCCCTCCGCGCGTCCCCCTCGTACGTGGCTGGAGCGCCATGC[C>G]GGTGCCTTCTCCTGCGCTCGCCCCCGTCGGGGCCCTCGCCCTCGCCCTCGCCGCCCCGGG-3'
Protein context (NP_001120694.1, residues 996-1016): PDGGERRRRH[Arg1006Pro]HGAPATYEGD